The following is an entry in ClinVar:

NM_001009944.3(PKD1):c.11155C>T (p.Arg3719Trp)

Genes: PKD1 (polycystin 1, transient receptor potential channel interacting; minus strand), PKD1-AS1 (PKD1 antisense RNA 1; plus strand). Cytogenetic location: 16p13.3.
Variant type: single nucleotide variant.
Coding change: c.11155C>T on transcript NM_001009944.3 (MANE Select); coding-DNA position 11155, C replaced by T.
Protein change: p.Arg3719Trp; replaces arginine 3719 with tryptophan.
Molecular consequence: missense variant. On other transcripts: non-coding transcript variant (1).
Genome position (GRCh38, 1-based): chr16:2,092,955, G>A on the plus strand (C>T on the coding strand, the complement: PKD1 is on the minus strand). VCF-style: chr16-2092955-G-A. GRCh37 (hg19) VCF-style: chr16-2142956-G-A.
Other names: c.11152C>T, p.Arg3718Trp (NM_000296.4); short protein forms R3718W, R3719W.
Identifiers: ClinVar variation 1526103 (VCV001526103.1), dbSNP rs1428669259, ClinGen allele CA394336679.

ClinVar aggregate classification (germline): Uncertain significance (1 of 4 stars; one submission).

Conditions:
Polycystic kidney disease, adult type (PKD1). Also called: POLYCYSTIC KIDNEY DISEASE 1 WITH OR WITHOUT POLYCYSTIC LIVER DISEASE; Polycystic Kidney Disease 1, Autosomal Dominant; Polycystic kidney disease 1; Polycystic kidney disease 1, severe; Polycystic Kidney, Autosomal Dominant; POLYCYSTIC KIDNEY DISEASE, ADULT, TYPE I. Identifiers: MedGen C3149841, MONDO:0008263, OMIM 173900.

gnomAD v4.1: 7 of 1,612,988 alleles (0.00043%); highest among the groups gnomAD compares: African/African-American, 0.0013%; no homozygotes.

Submission:

3billion
Classification: Uncertain significance for Polycystic kidney disease, adult type. Last evaluated: 2022-03-22. Review status: criteria provided, single submitter. Criteria: ACMG Guidelines, 2015. Collection method: clinical testing. Allele origin: germline. Affected: yes. Observed: 1 heterozygote.
Comment: A different missense change at the same codon has been reported as pathogenic/likely pathogenic with strong evidence (ClinVar ID: VCV000440073, PMID:11058904). In silico tool predictions suggest damaging effect of the variant on gene or gene product (3CNET: 0.855>=0.75). It is not observed in the gnomAD v2.1.1 dataset. Therefore, this variant is classified as uncertain significance according to the recommendation of ACMG/AMP guideline.

Literature cited by the submitters: PubMed 11058904.